The following is an entry in ClinVar:

NM_000747.3(CHRNB1):c.248G>A (p.Trp83Ter)

Gene: CHRNB1 (cholinergic receptor nicotinic beta 1 subunit; plus strand). Cytogenetic location: 17p13.1.
Variant type: single nucleotide variant.
Coding change: c.248G>A on transcript NM_000747.3 (MANE Select); coding-DNA position 248, G replaced by A.
Protein change: p.Trp83Ter; replaces tryptophan 83 with a stop codon.
Molecular consequence: nonsense.
Genome position (GRCh38, 1-based): chr17:7,446,837, G>A. VCF-style: chr17-7446837-G-A. GRCh37 (hg19) VCF-style: chr17-7350156-G-A.
Other names: short protein forms W83*.
Identifiers: ClinVar variation 569774 (VCV000569774.37), dbSNP rs766823872, ClinGen allele CA8347698.
Genomic context (GRCh38, chr17:7,446,837, plus strand): 5'-CCCAAGTCCCTCCCGGCCTCCAACCCGGGGCAGCCCCTCAGCCTCTGCTTCACTAGGAGT[G>A]GACTGACTACAGGCTGAGCTGGGACCCTGCGGAGCACGACGGCATCGATTCGCTCCGCAT-3'

ClinVar aggregate classification (germline): Conflicting classifications of pathogenicity. Review status: criteria provided, conflicting classifications (1 of 4 stars). 4 submissions from 4 submitters: Pathogenic (2); Likely pathogenic (1); Uncertain significance (1). Last evaluated 2025-09-14.

Conditions:
CHRNB1-related disorder. Also called: CHRNB1-related condition.
Congenital myasthenic syndrome 2A. Also called: Myasthenic syndrome, congenital, 2a, slow-channel. Identifiers: Orphanet 590, MedGen C4225374, MONDO:0014581, OMIM 616313.

Allele frequency attached by ClinVar (database versions not stated): gnomAD 0.00002; gnomAD exomes 0.00002 and 0.00003; TOPMed 0.00002; ExAC 0.00007.
gnomAD v4.1: 37 of 1,613,264 alleles (0.0023%); highest among the groups gnomAD compares: Non-Finnish European, 0.0031%; no homozygotes.

Submissions (4):

Labcorp Genetics (formerly Invitae), Labcorp
Classification: Pathogenic for Congenital myasthenic syndrome 2A. Last evaluated: 2025-09-14. Review status: criteria provided, single submitter. Criteria: Invitae Variant Classification Sherloc (09022015). Collection method: clinical testing. Allele origin: germline.
Comment: This sequence change creates a premature translational stop signal (p.Trp83*) in the CHRNB1 gene. It is expected to result in an absent or disrupted protein product. Loss-of-function variants in CHRNB1 are known to be pathogenic (PMID: 10562302). The frequency data for this variant in the population databases is considered unreliable, as metrics indicate poor data quality at this position in the gnomAD database. This variant has not been reported in the literature in individuals affected with CHRNB1-related conditions. ClinVar contains an entry for this variant (Variation ID: 569774). Algorithms developed to predict the effect of sequence changes on RNA splicing suggest that this variant may disrupt the consensus splice site. For these reasons, this variant has been classified as Pathogenic.

Blueprint Genetics
Classification: Likely pathogenic for CHRNB1-related disorders. Last evaluated: 2024-03-22. Review status: criteria provided, single submitter. Criteria: ACMG Guidelines, 2015. Collection method: clinical testing. Allele origin: germline. Affected: yes. Observed: 5 variant alleles.

CeGaT Center for Human Genetics Tuebingen
Classification: Uncertain significance. Last evaluated: 2022-07-01. Review status: criteria provided, single submitter. Criteria: CeGaT Center For Human Genetics Tuebingen Variant Classification Criteria Version 2. Collection method: clinical testing. Allele origin: germline. Affected: yes. Observed: 1 variant allele.
Comment: CHRNB1: PVS1:Strong

Revvity Omics, Revvity
Classification: Pathogenic. Last evaluated: 2020-03-27. Review status: criteria provided, single submitter. Criteria: ACMG Guidelines, 2015. Collection method: clinical testing. Allele origin: germline.

Literature cited by the submitters: PubMed 10562302 (cited by Labcorp Genetics (formerly Invitae), Labcorp).